The following is an entry in ClinVar:

NM_033159.4(HYAL1):c.658C>T (p.Gln220Ter)

Gene: HYAL1 (hyaluronidase 1; minus strand). Cytogenetic location: 3p21.31.
Variant type: single nucleotide variant.
Coding change: c.658C>T on transcript NM_033159.4 (MANE Select); coding-DNA position 658, C replaced by T.
Protein change: p.Gln220Ter; replaces glutamine 220 with a stop codon.
Molecular consequence: nonsense. On other transcripts: non-coding transcript variant (1), intron variant (1).
Genome position (GRCh38, 1-based): chr3:50,302,299, G>A on the plus strand (C>T on the coding strand, the complement: HYAL1 is on the minus strand). VCF-style: chr3-50302299-G-A. GRCh37 (hg19) VCF-style: chr3-50339730-G-A.
Other names: c.658C>T, p.Gln220Ter (NM_007312.3, NM_153281.2, NM_153282.3); c.112C>T, p.Gln38Ter (NM_153283.3); c.-26-94C>T (NM_153285.3); short protein forms Q38*, Q220*.
Identifiers: ClinVar variation 2780854 (VCV002780854.3), dbSNP rs2470850582, ClinGen allele CA352893143.

ClinVar aggregate classification (germline): Pathogenic (1 of 4 stars; one submission).

Conditions:
Deficiency of hyaluronoglucosaminidase (MPS9). Also called: HYALURONIDASE DEFICIENCY; MPS IX; Mucopolysaccharidosis type 9. Identifiers: Orphanet 67041, MedGen C1291490, MONDO:0011093, OMIM 601492.

Submission:

Labcorp Genetics (formerly Invitae), Labcorp
Classification: Pathogenic for Deficiency of hyaluronoglucosaminidase. Last evaluated: 2022-12-20. Review status: criteria provided, single submitter. Criteria: Invitae Variant Classification Sherloc (09022015). Collection method: clinical testing. Allele origin: germline.
Comment: This variant has not been reported in the literature in individuals affected with HYAL1-related conditions. For these reasons, this variant has been classified as Pathogenic. This variant is not present in population databases (gnomAD no frequency). This sequence change creates a premature translational stop signal (p.Gln220*) in the HYAL1 gene. It is expected to result in an absent or disrupted protein product. Loss-of-function variants in HYAL1 are known to be pathogenic (PMID: 10339581, 21559944).

Literature cited by the submitters: PubMed 10339581; PubMed 21559944.